The following is an entry in ClinVar:

NM_000077.5(CDKN2A):c.151-117_151-114del

Gene: CDKN2A (cyclin dependent kinase inhibitor 2A; minus strand). Cytogenetic location: 9p21.3.
Variant type: Deletion.
Coding change: c.151-117_151-114del on transcript NM_000077.5 (MANE Select); 117 bases into the intron before coding-DNA position 151 through 114 bases into the intron before coding-DNA position 151, 4 bases deleted (ATTA; older notation c.151-117_151-114delATTA).
Molecular consequence: intron variant.
Genome position (GRCh38, 1-based): chr9:21,971,322-21,971,325, TAAT deleted on the plus strand (ATTA on the coding strand, the reverse complement: CDKN2A is on the minus strand); deleting any 4 consecutive bases within chr9:21,971,322-21,971,327 gives the same sequence; the c. name uses the placement nearest the transcript's 3' end. VCF-style (leftmost placement, unchanged base first): chr9-21971321-CTAAT-C. GRCh37 (hg19) VCF-style: chr9-21971320-CTAAT-C.
Other names: c.-3-117_-3-114del (NM_001363763.2); c.194-117_194-114del (NM_058195.4); c.151-117_151-114del (NM_001195132.2); c.*74-117_*74-114del (NM_058197.5).
Identifiers: ClinVar variation 677887 (VCV000677887.1), dbSNP rs527380593, ClinGen allele CA190730534.
Genomic context (GRCh38, chr9:21,971,321, plus strand): 5'-AAGGAAGCTTGTGTAGAGCCCCCTCACCGCCAAGCAGACCCCCACACAAGCCCCAGGTGT[CTAAT>C]TACCCCTACATTTGCTTCCAGTTTCCAATTTCCTTCTTGAGTTCTCTATCCATTCTTCAG-3'

ClinVar aggregate classification (germline): Likely benign (1 of 4 stars; one submission).

Submission:

GeneDx
Classification: Likely benign. Last evaluated: 2018-06-12. Review status: criteria provided, single submitter. Criteria: GeneDx Variant Classification (06012015). Collection method: clinical testing. Allele origin: germline. Affected: yes.
Comment: This variant is considered likely benign or benign based on one or more of the following criteria: it is a conservative change, it occurs at a poorly conserved position in the protein, it is predicted to be benign by multiple in silico algorithms, and/or has population frequency not consistent with disease.